The following is an entry in ClinVar:

ClinVar aggregate classification (germline): Uncertain significance (1 of 4 stars; one submission).

Conditions:
Inborn genetic diseases. Identifiers: MedGen C0950123, MeSH D030342.

Submission:

Ambry Genetics
Classification: Uncertain significance for Inborn genetic diseases. Last evaluated: 2026-06-14. Review status: criteria provided, single submitter. Criteria: Ambry Variant Classification Scheme 2023. Collection method: clinical testing. Allele origin: germline.
Comment: The p.G91R variant (also known as c.271G>C), located in coding exon 3 of the SBDS gene, results from a G to C substitution at nucleotide position 271. The glycine at codon 91 is replaced by arginine, an amino acid with dissimilar properties. This amino acid position is conserved. In addition, this alteration is predicted to be deleterious by in silico analysis. Based on the available evidence, the clinical significance of this variant remains unclear.

NM_016038.4(SBDS):c.271G>C (p.Gly91Arg)

Gene: SBDS (SBDS ribosome maturation factor; minus strand). Cytogenetic location: 7q11.21.
Variant type: single nucleotide variant.
Coding change: c.271G>C on transcript NM_016038.4 (MANE Select); coding-DNA position 271, G replaced by C.
Protein change: p.Gly91Arg; replaces glycine 91 with arginine.
Molecular consequence: missense variant.
Genome position (GRCh38, 1-based): chr7:66,993,405, C>G on the plus strand (G>C on the coding strand, the complement: SBDS is on the minus strand). VCF-style: chr7-66993405-C-G. GRCh37 (hg19) VCF-style: chr7-66458392-C-G.
Other names: short protein forms G91R.
Identifiers: ClinVar variation 4864075 (VCV004864075.1).
Genomic context (GRCh38, chr7:66,993,405, plus strand): 5'-TGTCCCTAAACATCTGCTCCAGTTGTGTGTGTCTTTCTTTATCTGATACTTGAACTTCTC[C>G]TTTAGTCAAAATCTAAAAAAATGCCAACACATTTAAGAAATCACTATCTTTCTCTATCAC-3'
Protein context (NP_057122.2, residues 81-101): TEICKQILTK[Gly91Arg]EVQVSDKERH